The following is an entry in ClinVar:

ClinVar aggregate classification (germline): Uncertain significance (1 of 4 stars; one submission).

gnomAD v4.1: 5 of 1,597,618 alleles (0.00031%); highest among the groups gnomAD compares: Admixed American, 0.0035%; no homozygotes.

Submission:

Labcorp Genetics (formerly Invitae), Labcorp
Classification: Uncertain significance. Last evaluated: 2025-10-09. Review status: criteria provided, single submitter. Criteria: Invitae Variant Classification Sherloc (09022015). Collection method: clinical testing. Allele origin: germline.
Comment: This sequence change replaces alanine, which is neutral and non-polar, with threonine, which is neutral and polar, at codon 14 of the COMP protein (p.Ala14Thr). The frequency data for this variant in the population databases is considered unreliable, as metrics indicate poor data quality at this position in the gnomAD database. This variant has not been reported in the literature in individuals affected with COMP-related conditions. Invitae Evidence Modeling of protein sequence and biophysical properties (such as structural, functional, and spatial information, amino acid conservation, physicochemical variation, residue mobility, and thermodynamic stability) has been performed for this missense variant. However, the output from this modeling did not meet the statistical confidence thresholds required to predict the impact of this variant on COMP protein function. In summary, the available evidence is currently insufficient to determine the role of this variant in disease. Therefore, it has been classified as a Variant of Uncertain Significance.

NM_000095.3(COMP):c.40G>A (p.Ala14Thr)

Gene: COMP (cartilage oligomeric matrix protein; minus strand). Cytogenetic location: 19p13.11.
Variant type: single nucleotide variant.
Coding change: c.40G>A on transcript NM_000095.3 (MANE Select); coding-DNA position 40, G replaced by A.
Protein change: p.Ala14Thr; replaces alanine 14 with threonine.
Molecular consequence: missense variant.
Genome position (GRCh38, 1-based): chr19:18,791,230, C>T on the plus strand (G>A on the coding strand, the complement: COMP is on the minus strand). VCF-style: chr19-18791230-C-T. GRCh37 (hg19) VCF-style: chr19-18902039-C-T.
Other names: short protein forms A14T.
Identifiers: ClinVar variation 4696888 (VCV004696888.1).
Genomic context (GRCh38, chr19:18,791,230, plus strand): 5'-GCGGGTGCTAACGCGGCTTACCCAACGGGCTCTGGCCCTGTCCGGACGCGCCGAGGGCAG[C>T]CAGGGTGAGCAGAAGAACGCAGGCGGTGTCGGGGACCATGGCGGTGGCGGGGAGCTGGGT-3'
Protein context (NP_000086.2, residues 4-24): DTACVLLLTL[Ala14Thr]ALGASGQGQS